The following is an entry in ClinVar:

NM_025137.4(SPG11):c.251T>G (p.Phe84Cys)

Gene: SPG11 (SPG11 vesicle trafficking associated, spatacsin; minus strand). Cytogenetic location: 15q21.1.
Variant type: single nucleotide variant.
Coding change: c.251T>G on transcript NM_025137.4 (MANE Select); coding-DNA position 251, T replaced by G.
Protein change: p.Phe84Cys; replaces phenylalanine 84 with cysteine.
Molecular consequence: missense variant.
Genome position (GRCh38, 1-based): chr15:44,663,397, A>C on the plus strand (T>G on the coding strand, the complement: SPG11 is on the minus strand). VCF-style: chr15-44663397-A-C. GRCh37 (hg19) VCF-style: chr15-44955595-A-C.
Other names: c.251T>G, p.Phe84Cys (NM_001160227.2); short protein forms F84C.
Identifiers: ClinVar variation 1385818 (VCV001385818.30), dbSNP rs2085177672, ClinGen allele CA392238491.

ClinVar aggregate classification (germline): Uncertain significance. Review status: criteria provided, multiple submitters, no conflicts (2 of 4 stars). 2 submissions from 2 submitters: Uncertain significance (2). Last evaluated 2023-02-01.

Conditions:
Hereditary spastic paraplegia 11. Also called: Spastic Paraplegia 11; SPASTIC PARAPLEGIA, AUTOSOMAL RECESSIVE, COMPLICATED, WITH THIN CORPUS CALLOSUM; SPASTIC PARAPLEGIA, AUTOSOMAL RECESSIVE, WITH MENTAL IMPAIRMENT AND THIN CORPUS CALLOSUM; Nakamura Osame syndrome; Autosomal recessive hereditary spastic paraplegia, mental impairment, and thin corpus callosum; Spastic paraplegia, mental retardation and thin corpus callosum. Identifiers: Orphanet 2822, MedGen C1858479, MONDO:0011445, OMIM 604360.

gnomAD v4.1: 1 of 1,607,796 alleles (0.000062%); highest among the groups gnomAD compares: Non-Finnish European, 0.000085%; no homozygotes.

Submissions (2):

CeGaT Center for Human Genetics Tuebingen
Classification: Uncertain significance. Last evaluated: 2023-02-01. Review status: criteria provided, single submitter. Criteria: CeGaT Center For Human Genetics Tuebingen Variant Classification Criteria Version 2. Collection method: clinical testing. Allele origin: germline. Affected: yes. Observed: 1 variant allele.
Comment: SPG11: PM2

Labcorp Genetics (formerly Invitae), Labcorp
Classification: Uncertain significance for Hereditary spastic paraplegia 11. Last evaluated: 2021-02-25. Review status: criteria provided, single submitter. Criteria: Invitae Variant Classification Sherloc (09022015). Collection method: clinical testing. Allele origin: germline.
Comment: This sequence change replaces phenylalanine with cysteine at codon 84 of the SPG11 protein (p.Phe84Cys). The phenylalanine residue is moderately conserved and there is a large physicochemical difference between phenylalanine and cysteine. This variant is not present in population databases (ExAC no frequency). This variant has not been reported in the literature in individuals with SPG11-related conditions. Algorithms developed to predict the effect of missense changes on protein structure and function are either unavailable or do not agree on the potential impact of this missense change (SIFT: "Deleterious"; PolyPhen-2: "Probably Damaging"; Align-GVGD: "Class C0"). In summary, the available evidence is currently insufficient to determine the role of this variant in disease. Therefore, it has been classified as a Variant of Uncertain Significance.